The following is an entry in ClinVar:

ClinVar aggregate classification (germline): Uncertain significance (1 of 4 stars; one submission).

Allele frequency attached by ClinVar (database versions not stated): gnomAD exomes below 0.00001; TOPMed below 0.00001.
gnomAD v4.1: 6 of 1,613,554 alleles (0.00037%); highest among the groups gnomAD compares: East Asian, 0.0022%; no homozygotes.

Submission:

Labcorp Genetics (formerly Invitae), Labcorp
Classification: Uncertain significance. Last evaluated: 2022-12-06. Review status: criteria provided, single submitter. Criteria: Invitae Variant Classification Sherloc (09022015). Collection method: clinical testing. Allele origin: germline.
Comment: Algorithms developed to predict the effect of missense changes on protein structure and function are either unavailable or do not agree on the potential impact of this missense change (SIFT: "Deleterious"; PolyPhen-2: "Probably Damaging"; Align-GVGD: "Class C0"). In summary, the available evidence is currently insufficient to determine the role of this variant in disease. Therefore, it has been classified as a Variant of Uncertain Significance. ClinVar contains an entry for this variant (Variation ID: 1361450). This sequence change replaces valine, which is neutral and non-polar, with methionine, which is neutral and non-polar, at codon 252 of the CDK5 protein (p.Val252Met). This variant is not present in population databases (gnomAD no frequency). This variant has not been reported in the literature in individuals affected with CDK5-related conditions.

NM_004935.4(CDK5):c.754G>A (p.Val252Met)

Gene: CDK5 (cyclin dependent kinase 5; minus strand). Cytogenetic location: 7q36.1.
Variant type: single nucleotide variant.
Coding change: c.754G>A on transcript NM_004935.4 (MANE Select); coding-DNA position 754, G replaced by A.
Protein change: p.Val252Met; replaces valine 252 with methionine.
Molecular consequence: missense variant.
Genome position (GRCh38, 1-based): chr7:151,054,250, C>T on the plus strand (G>A on the coding strand, the complement: CDK5 is on the minus strand). VCF-style: chr7-151054250-C-T. GRCh37 (hg19) VCF-style: chr7-150751337-C-T.
Other names: c.658G>A, p.Val220Met (NM_001164410.3); short protein forms V220M, V252M.
Identifiers: ClinVar variation 1361450 (VCV001361450.6), dbSNP rs1257052866, ClinGen allele CA370017710.
Genomic context (GRCh38, chr7:151,054,250, plus strand): 5'-CCCTCTACCCCTGGTCACCTACCTGCAGCAGATCCCTCCCTGTGGCATTGAGTTTGGGCA[C>T]GACGTTCACCAGGGATGTTGTGGCCGGGTACATCGGATAGGGCTGTGGAGAGGCAGGGAG-3'
Protein context (NP_004926.1, residues 242-262): YPATTSLVNV[Val252Met]PKLNATGRDL